The following is an entry in ClinVar:

ClinVar aggregate classification (germline): Uncertain significance. Review status: criteria provided, multiple submitters, no conflicts (2 of 4 stars). 3 submissions from 3 submitters: Uncertain significance (3). Last evaluated 2025-04-10.

Conditions:
Inborn genetic diseases. Identifiers: MedGen C0950123, MeSH D030342.

Allele frequency attached by ClinVar (database versions not stated): gnomAD 0.00001; gnomAD exomes 0.00001 and 0.00004; ExAC 0.00002.
gnomAD v4.1: 58 of 1,614,130 alleles (0.0036%); highest among the groups gnomAD compares: Non-Finnish European, 0.0047%; no homozygotes.

Submissions (3):

Ambry Genetics
Classification: Uncertain significance for Inborn genetic diseases. Last evaluated: 2025-04-10. Review status: criteria provided, single submitter. Criteria: Ambry Variant Classification Scheme 2023. Collection method: clinical testing. Allele origin: germline.

Blueprint Genetics
Classification: Uncertain significance. Last evaluated: 2023-11-29. Review status: criteria provided, single submitter. Criteria: ACMG Guidelines, 2015. Collection method: clinical testing. Allele origin: germline.

Labcorp Genetics (formerly Invitae), Labcorp
Classification: Uncertain significance. Last evaluated: 2021-11-27. Review status: criteria provided, single submitter. Criteria: Invitae Variant Classification Sherloc (09022015). Collection method: clinical testing. Allele origin: germline.
Comment: This sequence change replaces phenylalanine, which is neutral and non-polar, with serine, which is neutral and polar, at codon 44 of the PIGP protein (p.Phe44Ser). This variant is present in population databases (rs771037472, gnomAD 0.007%). This variant has not been reported in the literature in individuals affected with PIGP-related conditions. Algorithms developed to predict the effect of missense changes on protein structure and function (SIFT, PolyPhen-2, Align-GVGD) all suggest that this variant is likely to be disruptive. In summary, the available evidence is currently insufficient to determine the role of this variant in disease. Therefore, it has been classified as a Variant of Uncertain Significance.

NM_153682.3(PIGP):c.59T>C (p.Phe20Ser)

Gene: PIGP (phosphatidylinositol glycan anchor biosynthesis class P; minus strand). Cytogenetic location: 21q22.13.
Variant type: single nucleotide variant.
Coding change: c.59T>C on transcript NM_153682.3 (MANE Select); coding-DNA position 59, T replaced by C.
Protein change: p.Phe20Ser; replaces phenylalanine 20 with serine.
Molecular consequence: missense variant. On other transcripts: 5 prime UTR variant (1).
Genome position (GRCh38, 1-based): chr21:37,072,457, A>G on the plus strand (T>C on the coding strand, the complement: PIGP is on the minus strand). VCF-style: chr21-37072457-A-G. GRCh37 (hg19) VCF-style: chr21-38444757-A-G.
Other names: c.59T>C, p.Phe20Ser (NM_001320480.2); c.-186T>C (NM_016430.4); c.131T>C, p.Phe44Ser (NM_153681.2); short protein forms F44S, F20S.
Identifiers: ClinVar variation 1373317 (VCV001373317.5), dbSNP rs771037472, ClinGen allele CA10021162.
Genomic context (GRCh38, chr21:37,072,457, plus strand): 5'-GAAAAAGCCCCTGGCCATCCATCAGGAAAGTACTTACTGAAGCCAAATTGGGAGCTTAAG[A>G]AAAGAACAAAGCCATAAATCGCTCTTTCTGGCAATGGCGACGGTGAATTTTCCACCATTT-3'
Protein context (NP_710149.1, residues 10-30): PERAIYGFVL[Phe20Ser]LSSQFGFILY